The following is an entry in ClinVar:

ClinVar aggregate classification (germline): Uncertain significance (1 of 4 stars; one submission).

Conditions:
Nephronophthisis 18 (NPHP18). Identifiers: Orphanet 655, MedGen C3890591, MONDO:0014374, OMIM 615862.

Allele frequency attached by ClinVar (database versions not stated): TOPMed below 0.00001; gnomAD exomes 0.00001; ExAC 0.00002; gnomAD 0.00003.
gnomAD v4.1: 20 of 1,613,784 alleles (0.0012%); highest among the groups gnomAD compares: South Asian, 0.0055%; no homozygotes.

Submission:

Labcorp Genetics (formerly Invitae), Labcorp
Classification: Uncertain significance for Nephronophthisis 18. Last evaluated: 2022-10-25. Review status: criteria provided, single submitter. Criteria: Invitae Variant Classification Sherloc (09022015). Collection method: clinical testing. Allele origin: germline.
Comment: This sequence change replaces isoleucine, which is neutral and non-polar, with valine, which is neutral and non-polar, at codon 565 of the CEP83 protein (p.Ile565Val). This variant is present in population databases (rs768675258, gnomAD 0.01%). This variant has not been reported in the literature in individuals affected with CEP83-related conditions. Advanced modeling of protein sequence and biophysical properties (such as structural, functional, and spatial information, amino acid conservation, physicochemical variation, residue mobility, and thermodynamic stability) performed at Invitae indicates that this missense variant is not expected to disrupt CEP83 protein function. In summary, the available evidence is currently insufficient to determine the role of this variant in disease. Therefore, it has been classified as a Variant of Uncertain Significance.

NM_016122.3(CEP83):c.1693A>G (p.Ile565Val)

Gene: CEP83 (centrosomal protein 83; minus strand). Cytogenetic location: 12q22.
Variant type: single nucleotide variant.
Coding change: c.1693A>G on transcript NM_016122.3 (MANE Select); coding-DNA position 1693, A replaced by G.
Protein change: p.Ile565Val; replaces isoleucine 565 with valine.
Molecular consequence: missense variant. On other transcripts: non-coding transcript variant (2).
Genome position (GRCh38, 1-based): chr12:94,331,714, T>C on the plus strand (A>G on the coding strand, the complement: CEP83 is on the minus strand). VCF-style: chr12-94331714-T-C. GRCh37 (hg19) VCF-style: chr12-94725490-T-C.
Other names: c.1693A>G, p.Ile565Val (NM_001042399.2, NM_001346457.2, NM_001368037.1 and 1 more transcripts); c.1381A>G, p.Ile461Val (NM_001346458.2, NM_001346459.2, NM_001368039.1 and 1 more transcripts); c.1468A>G, p.Ile490Val (NM_001368041.1); short protein forms I461V, I490V, I565V.
Identifiers: ClinVar variation 2043326 (VCV002043326.3), dbSNP rs768675258, ClinGen allele CA6721591.